The following is an entry in ClinVar:

ClinVar aggregate classification (germline): Conflicting classifications of pathogenicity. Review status: criteria provided, conflicting classifications (1 of 4 stars). 2 submissions from 2 submitters: Uncertain significance (1); Likely benign (1). Last evaluated 2022-08-19.

Conditions:
Agammaglobulinemia 6, autosomal recessive (AGM6). Also called: AGAMMAGLOBULINEMIA 6; AGAMMAGLOBULINEMIA, AUTOSOMAL RECESSIVE, DUE TO CD79B DEFECT. Identifiers: MedGen C3150207, MONDO:0012987, OMIM 612692.

Allele frequency attached by ClinVar (database versions not stated): gnomAD exomes 0.00006 and 0.00010; ExAC 0.00010; gnomAD 0.00014 and 0.00016; TOPMed 0.00019; ESP Exome Variant Server 0.00031.
gnomAD v4.1: 113 of 1,614,192 alleles (0.007%); highest among the groups gnomAD compares: African/African-American, 0.037%; no homozygotes.

Submissions (2):

Labcorp Genetics (formerly Invitae), Labcorp
Classification: Uncertain significance for Agammaglobulinemia 6, autosomal recessive. Last evaluated: 2022-08-19. Review status: criteria provided, single submitter. Criteria: Invitae Variant Classification Sherloc (09022015). Collection method: clinical testing. Allele origin: germline.
Comment: This sequence change replaces arginine, which is basic and polar, with glutamine, which is neutral and polar, at codon 113 of the CD79B protein (p.Arg113Gln). This variant is present in population databases (rs147236129, gnomAD 0.1%). This variant has not been reported in the literature in individuals affected with CD79B-related conditions. ClinVar contains an entry for this variant (Variation ID: 644087). Algorithms developed to predict the effect of missense changes on protein structure and function output the following: SIFT: "Not Available"; PolyPhen-2: "Benign"; Align-GVGD: "Not Available". The glutamine amino acid residue is found in multiple mammalian species, which suggests that this missense change does not adversely affect protein function. In summary, the available evidence is currently insufficient to determine the role of this variant in disease. Therefore, it has been classified as a Variant of Uncertain Significance.

Ambry Genetics
Classification: Likely benign. Last evaluated: 2022-04-25. Review status: criteria provided, single submitter. Criteria: Ambry Variant Classification Scheme 2023. Collection method: clinical testing. Allele origin: germline.

NM_000626.4(CD79B):c.338G>A (p.Arg113Gln)

Genes: GH-LCR (growth hormone locus control region; plus strand), CD79B (CD79b molecule; minus strand). Cytogenetic location: 17q23.3.
Variant type: single nucleotide variant.
Coding change: c.338G>A on transcript NM_000626.4 (MANE Select); coding-DNA position 338, G replaced by A.
Protein change: p.Arg113Gln; replaces arginine 113 with glutamine.
Molecular consequence: missense variant. On other transcripts: intron variant (2).
Genome position (GRCh38, 1-based): chr17:63,930,166, C>T on the plus strand (G>A on the coding strand, the complement: CD79B is on the minus strand). VCF-style: chr17-63930166-C-T. GRCh37 (hg19) VCF-style: chr17-62007526-C-T.
Other names: c.341G>A, p.Arg114Gln (NM_001039933.3); c.119-278G>A (NM_021602.4); c.122-278G>A (NM_001329050.2); c.338G>A (NM_000626.2); short protein forms R113Q, R114Q.
Identifiers: ClinVar variation 644087 (VCV000644087.6), dbSNP rs147236129, ClinGen allele CA8708581.
Genomic context (GRCh38, chr17:63,930,166, plus strand): 5'-TAGACCTCCGAGGTGTTGTTGCACTTCTGCTGACAGAAGTAGATGCCATTGTCCTCAAAC[C>T]GGATGCCTTGGATGGTGAGGGTGGCGAGAGATTCGTTCTGGGACTCTTCCATGCGGCCCT-3'
Protein context (NP_000617.1, residues 103-123): SLATLTIQGI[Arg113Gln]FEDNGIYFCQ